The following is an entry in ClinVar:

NM_001330360.2(POLA1):c.1625C>G (p.Pro542Arg)

Gene: POLA1 (DNA polymerase alpha 1, catalytic subunit; plus strand). Cytogenetic location: Xp22.11.
Variant type: single nucleotide variant.
Coding change: c.1625C>G on transcript NM_001330360.2 (MANE Select); coding-DNA position 1625, C replaced by G.
Protein change: p.Pro542Arg; replaces proline 542 with arginine.
Molecular consequence: missense variant. On other transcripts: non-coding transcript variant (2).
Genome position (GRCh38, 1-based): chrX:24,727,875, C>G. VCF-style: chrX-24727875-C-G. GRCh37 (hg19) VCF-style: chrX-24745992-C-G.
Other names: c.1550C>G, p.Pro517Arg (NM_001378303.1); c.1607C>G, p.Pro536Arg (NM_016937.4); short protein forms P536R, P542R, P517R.
Identifiers: ClinVar variation 3721131 (VCV003721131.2).

ClinVar aggregate classification (germline): Uncertain significance (1 of 4 stars; one submission).

Submission:

Labcorp Genetics (formerly Invitae), Labcorp
Classification: Uncertain significance. Last evaluated: 2024-09-15. Review status: criteria provided, single submitter. Criteria: Invitae Variant Classification Sherloc (09022015). Collection method: clinical testing. Allele origin: germline.
Comment: This sequence change replaces proline, which is neutral and non-polar, with arginine, which is basic and polar, at codon 536 of the POLA1 protein (p.Pro536Arg). This variant is not present in population databases (gnomAD no frequency). This variant has not been reported in the literature in individuals affected with POLA1-related conditions. Invitae Evidence Modeling of protein sequence and biophysical properties (such as structural, functional, and spatial information, amino acid conservation, physicochemical variation, residue mobility, and thermodynamic stability) indicates that this missense variant is expected to disrupt POLA1 protein function with a positive predictive value of 80%. In summary, the available evidence is currently insufficient to determine the role of this variant in disease. Therefore, it has been classified as a Variant of Uncertain Significance.